The following is an entry in ClinVar:

NM_006892.4(DNMT3B):c.2477G>T (p.Arg826Leu)

Gene: DNMT3B (DNA methyltransferase 3 beta; plus strand). Cytogenetic location: 20q11.21.
Variant type: single nucleotide variant.
Coding change: c.2477G>T on transcript NM_006892.4 (MANE Select); coding-DNA position 2477, G replaced by T.
Protein change: p.Arg826Leu; replaces arginine 826 with leucine.
Molecular consequence: missense variant. On other transcripts: synonymous variant (4).
Genome position (GRCh38, 1-based): chr20:32,807,818, G>T. VCF-style: chr20-32807818-G-T. GRCh37 (hg19) VCF-style: chr20-31395624-G-T.
Other names: c.2288G>T, p.Arg763Leu (NM_001424355.1); c.2232G>T, p.Pro744= (NM_001424356.1); c.2172G>T, p.Pro724= (NM_001424357.1); c.2162G>T, p.Arg721Leu (NM_001424358.1); c.2264G>T, p.Arg755Leu (NM_001424359.1); c.2138G>T, p.Arg713Leu (NM_001424360.1); c.2417G>T, p.Arg806Leu (NM_175848.2); c.2228G>T, p.Arg743Leu (NM_175849.2); and 7 more; short protein forms R667L, R701L, R713L, R721L, R743L, R755L, R763L, R764L.
Identifiers: ClinVar variation 4847273 (VCV004847273.1).
Genomic context (GRCh38, chr20:32,807,818, plus strand): 5'-CCAGGATCTTTGGCTTTCCTGTGCACTACACAGACGTGTCCAACATGGGCCGTGGTGCCC[G>T]CCAGAAGCTGCTGGGAAGGTCCTGGAGCGTGCCTGTCATCCGACACCTCTTCGCCCCTCT-3'
Protein context (NP_008823.1, residues 816-836): TDVSNMGRGA[Arg826Leu]QKLLGRSWSV

ClinVar aggregate classification (germline): Uncertain significance (1 of 4 stars; one submission).

gnomAD v4.1: 1 of 1,614,138 alleles (0.000062%); highest among the groups gnomAD compares: Non-Finnish European, 0.000085%; no homozygotes.

Submission:

Women's Health and Genetics/Laboratory Corporation of America, LabCorp
Classification: Uncertain significance. Last evaluated: 2026-03-12. Review status: criteria provided, single submitter. Criteria: LabCorp Variant Classification Summary - May 2015. Collection method: clinical testing. Allele origin: germline.
Comment: Variant summary: DNMT3B c.2477G>T (p.Arg826Leu) results in a non-conservative amino acid change in the encoded protein sequence. Algorithms developed to predict the effect of missense changes on protein structure and function all suggest that this variant is likely to be disruptive. The variant allele was found at a frequency of 4e-06 in 251382 control chromosomes (gnomAD). To our knowledge, no occurrence of c.2477G>T in individuals affected with DNMT3B-related conditions and no experimental evidence demonstrating its impact on protein function have been reported. Other variants affecting the same codon have been classified as likely pathogenic by our lab (c.2476C>T/p.Arg826Cys, c.2477G>A/p.Arg826His), supporting the critical relevance of codon 826 to DNMT3B protein function. No submitters have cited clinical-significance assessments for this variant to ClinVar. Based on the evidence outlined above, the variant was classified as VUS-possibly pathogenic.